The following is an entry in ClinVar:

NM_020921.4(NIN):c.753A>C (p.Lys251Asn)

Gene: NIN (ninein; minus strand). Cytogenetic location: 14q22.1.
Variant type: single nucleotide variant.
Coding change: c.753A>C on transcript NM_020921.4 (MANE Select); coding-DNA position 753, A replaced by C.
Protein change: p.Lys251Asn; replaces lysine 251 with asparagine.
Molecular consequence: missense variant.
Genome position (GRCh38, 1-based): chr14:50,773,009, T>G on the plus strand (A>C on the coding strand, the complement: NIN is on the minus strand). VCF-style: chr14-50773009-T-G. GRCh37 (hg19) VCF-style: chr14-51239727-T-G.
Other names: c.753A>C (NM_020921.3); c.753A>C, p.Lys251Asn (NM_182944.3, NM_182946.2, NM_016350.5); short protein forms K251N.
Identifiers: ClinVar variation 3716815 (VCV003716815.3).

ClinVar aggregate classification (germline): Uncertain significance. Review status: criteria provided, multiple submitters, no conflicts (2 of 4 stars). 2 submissions from 2 submitters: Uncertain significance (2). Last evaluated 2025-08-03.

gnomAD v4.1: 5 of 1,613,256 alleles (0.00031%); highest among the groups gnomAD compares: Admixed American, 0.0017%; no homozygotes.

Submissions (2):

Ambry Genetics
Classification: Uncertain significance. Last evaluated: 2025-08-03. Review status: criteria provided, single submitter. Criteria: Ambry Variant Classification Scheme 2023. Collection method: clinical testing. Allele origin: germline.

Labcorp Genetics (formerly Invitae), Labcorp
Classification: Uncertain significance. Last evaluated: 2024-10-22. Review status: criteria provided, single submitter. Criteria: Invitae Variant Classification Sherloc (09022015). Collection method: clinical testing. Allele origin: germline.
Comment: This sequence change replaces lysine, which is basic and polar, with asparagine, which is neutral and polar, at codon 251 of the NIN protein (p.Lys251Asn). This variant is present in population databases (no rsID available, gnomAD 0.0009%). This variant has not been reported in the literature in individuals affected with NIN-related conditions. An algorithm developed to predict the effect of missense changes on protein structure and function (PolyPhen-2) suggests that this variant is likely to be disruptive. In summary, the available evidence is currently insufficient to determine the role of this variant in disease. Therefore, it has been classified as a Variant of Uncertain Significance.